The following is an entry in ClinVar:

ClinVar aggregate classification (germline): Uncertain significance (1 of 4 stars; one submission).

Conditions:
Familial thoracic aortic aneurysm and aortic dissection (TAAD). Also called: Thoracic aortic aneurysms and dissections. Identifiers: Orphanet 91387, MedGen C4707243, MONDO:0019625.
Marfan syndrome (MFS). Also called: FBN1-Related Marfan Syndrome; Marfan syndrome type 1; Marfan's syndrome; Marfan syndrome, classic; MARFAN SYNDROME, TYPE I. Identifiers: Orphanet 284963, Orphanet 558, MedGen C0024796, MONDO:0007947, OMIM 154700.

Submission:

Labcorp Genetics (formerly Invitae), Labcorp
Classification: Uncertain significance for Marfan syndrome; Familial thoracic aortic aneurysm and aortic dissection. Last evaluated: 2018-11-20. Review status: criteria provided, single submitter. Criteria: Invitae Variant Classification Sherloc (09022015). Collection method: clinical testing. Allele origin: germline.
Comment: In summary, the available evidence is currently insufficient to determine the role of this variant in disease. Therefore, it has been classified as a Variant of Uncertain Significance. Algorithms developed to predict the effect of missense changes on protein structure and function are either unavailable or do not agree on the potential impact of this missense change (SIFT: "Deleterious"; PolyPhen-2: "Probably Damaging"; Align-GVGD: "Class C0"). This variant has been observed in an individual affected with thoracic aortic aneurysm and dissection (Invitae). This variant is not present in population databases (ExAC no frequency). This sequence change replaces phenylalanine with serine at codon 1880 of the FBN1 protein (p.Phe1880Ser). The phenylalanine residue is highly conserved and there is a large physicochemical difference between phenylalanine and serine.

NM_000138.5(FBN1):c.5639T>C (p.Phe1880Ser)

Gene: FBN1 (fibrillin 1; minus strand). Cytogenetic location: 15q21.1.
Variant type: single nucleotide variant.
Coding change: c.5639T>C on transcript NM_000138.5 (MANE Select); coding-DNA position 5639, T replaced by C.
Protein change: p.Phe1880Ser; replaces phenylalanine 1880 with serine.
Molecular consequence: missense variant.
Genome position (GRCh38, 1-based): chr15:48,448,800, A>G on the plus strand (T>C on the coding strand, the complement: FBN1 is on the minus strand). VCF-style: chr15-48448800-A-G. GRCh37 (hg19) VCF-style: chr15-48740997-A-G.
Other names: short protein forms F1880S.
Identifiers: ClinVar variation 652102 (VCV000652102.8), dbSNP rs1597535186, ClinGen allele CA392341810.
Genomic context (GRCh38, chr15:48,448,800, plus strand): 5'-AAAAAAATAATAATAATTGCATACTTACCCAAGCACATGGTTTGGTCATCATTTGTTTTA[A>G]AACCAGTGTGGCAAAGGCAATAAAAGCTTCCAACTGTGTCAATGCACTGCCCATGACTGC-3'
Protein context (NP_000129.3, residues 1870-1890): GSFYCLCHTG[Phe1880Ser]KTNDDQTMCL